The following is an entry in ClinVar:

ClinVar aggregate classification (germline): Likely benign (1 of 4 stars; one submission).

Conditions:
SLC26A4-related disorder. Also called: SLC26A4-related disorders; SLC26A4-related condition.

gnomAD v4.1: 15 of 152,046 alleles (0.0099%); highest among the groups gnomAD compares: African/African-American, 0.034%; no homozygotes.

Submission:

PreventionGenetics, part of Exact Sciences
Classification: Likely benign for SLC26A4-related condition. Last evaluated: 2026-04-28. Review status: criteria provided, single submitter. Criteria: ACMG Guidelines, 2015. Collection method: clinical testing. Allele origin: germline.
Comment: This variant is classified as likely benign based on ACMG/AMP sequence variant interpretation guidelines (Richards et al. 2015 PMID: 25741868, with internal and published modifications).

NC_000007.14:g.107327492T>C

Genes: COG5 (component of oligomeric golgi complex 5; minus strand), SLC26A4 (solute carrier family 26 member 4; plus strand). Cytogenetic location: 7q22.3.
Variant type: single nucleotide variant.
Molecular consequence: intron variant (on NM_006348.5).
Genome position: GRCh38 VCF-style: chr7-107327492-T-C. GRCh37 (hg19) VCF-style: chr7-106967937-T-C.
Other names: c.313-2971A>G (NM_001379516.1); c.539-29146A>G (NM_001379515.1); c.1027-2971A>G (NM_001379511.1, NM_001379512.1, NM_181733.4 and 4 more transcripts).
Identifiers: ClinVar variation 4982558 (VCV004982558.1).
Genomic context (GRCh38, chr7:107,327,492, plus strand): 5'-AATAGACAAACTGGACTATACCTAACTTGAGATTTTCTGTGCAGGAAAGGAAACAATCAA[T>C]AGAGTAAAAAGGCAACCTACAGAATGGGGGAAAACATTTGCTAACCATATATCTAATAAG-3'